The following is an entry in ClinVar:

ClinVar aggregate classification (germline): Likely benign. Review status: reviewed by expert panel (3 of 4 stars). 6 submissions from 6 submitters: Likely benign (1). 5 of the submissions do not count toward it. Last evaluated 2024-09-17.

Conditions:
Noonan syndrome and Noonan-related syndrome. Identifiers: Orphanet 98733, MedGen C5681679, MONDO:0020297.
RASopathy. Also called: rasopathies; Noonan spectrum disorder. Identifiers: Orphanet 536391, MedGen C5555857, MONDO:0021060.

Allele frequency attached by ClinVar (database versions not stated): ExAC 0.00005; gnomAD exomes 0.00011 and 0.00013; TOPMed 0.00011; gnomAD 0.00013 and 0.00014; ESP Exome Variant Server 0.00016.
gnomAD v4.1: 201 of 1,547,966 alleles (0.013%); highest among the groups gnomAD compares: East Asian, 0.022%; no homozygotes.

Submissions (6):

ClinGen RASopathy Variant Curation Expert Panel
Classification: Likely benign for RASopathy. Last evaluated: 2024-09-17. Review status: reviewed by expert panel. Criteria: ClinGen RASopathy ACMG Specifications MAP2K2 V2.1.0. Collection method: curation. Allele origin: germline. Inheritance: Autosomal dominant inheritance.
Comment: The c.*8C>T variant in the MAP2K2 gene is located in the untranslated mRNA region downstream of the termination codon. The filtering allele frequency in gnomAD v4.1.0 is 0.01257%(172/1145270 alleles) in non-Finnish European population (PM2_Supporting/BS1/BA1 are not met). This variant is at a nucleotide that is not highly conserved and is not predicted to impact splicing (BP7). The c.*8C>T variant has been observed in at least 6 individuals who underwent testing for RASopathies (PS4 not met; GeneDx, LMM internal data; GTR ID's: 26957, 21766; SCV000063150.4, SCV000170190.9). This variant has been identified in a patient with an alternate molecular basis for disease (BP5; GeneDx internal data, SCV000170190.9). In summary, this variant meets criteria to be classified as likely benign for autosomal dominant RASopathies based on the ACMG/AMP criteria applied, as specified by the ClinGen RASopathy Variant Curation Expert Panel: BP5, BP7 (Specification Version 2.1, 09/17/2024)

Blueprint Genetics
Classification: Likely benign. Last evaluated: 2024-11-04. Review status: criteria provided, single submitter. Criteria: ACMG Guidelines, 2015. Collection method: clinical testing. Allele origin: germline. Not counted in ClinVar's aggregate classification.

Genome Diagnostics Laboratory, The Hospital for Sick Children
Classification: Likely benign for Noonan syndrome and Noonan-related syndrome. Last evaluated: 2021-05-13. Review status: criteria provided, single submitter. Criteria: ACMG Guidelines, 2015. Collection method: clinical testing. Allele origin: germline. Not counted in ClinVar's aggregate classification.

Women's Health and Genetics/Laboratory Corporation of America, LabCorp
Classification: Benign. Last evaluated: 2018-08-13. Review status: criteria provided, single submitter. Criteria: LabCorp Variant Classification Summary - May 2015. Collection method: clinical testing. Allele origin: germline. Not counted in ClinVar's aggregate classification.
Comment: Variant summary: MAP2K2 c.*8C>T is located in the untranslated mRNA region downstream of the termination codon. The variant allele was found at a frequency of 0.00014 in 179598 control chromosomes. The observed variant frequency is approximately 55 fold of the estimated maximal expected allele frequency for a pathogenic variant in MAP2K2 causing Noonan Syndrome and Related Conditions phenotype (2.5e-06), strongly suggesting that the variant is benign. c.*8C>T has been reported in the literature in individuals affected with autism. This report does not provide unequivocal conclusions about association of the variant with Noonan Syndrome and Related Conditions. To our knowledge, no experimental evidence demonstrating an impact on protein function has been reported. ClinGen RASopathy Expert Panel has submitted clinical-significance assessments for this variant to ClinVar after 2014 and classified the variant as likely benign based on ACMG criteria BP5 and BP7 although the variant is not a synonymous variant type. Based on the evidence outlined above, the variant was classified as benign.

GeneDx
Classification: Benign. Last evaluated: 2013-11-27. Review status: criteria provided, single submitter. Criteria: GeneDx Variant Classification (06012015). Collection method: clinical testing. Allele origin: germline. Affected: yes. Not counted in ClinVar's aggregate classification.
Comment: This variant is considered likely benign or benign based on one or more of the following criteria: it is a conservative change, it occurs at a poorly conserved position in the protein, it is predicted to be benign by multiple in silico algorithms, and/or has population frequency not consistent with disease.

Laboratory for Molecular Medicine, Mass General Brigham Personalized Medicine
Classification: Uncertain significance. Last evaluated: 2009-02-10. Review status: no assertion criteria provided. Collection method: clinical testing. Allele origin: germline. Observed: 2 variant alleles. Not counted in ClinVar's aggregate classification.

Literature cited by the submitters: PubMed 22558107 (cited by Women's Health and Genetics/Laboratory Corporation of America, LabCorp).

NM_030662.3(MAP2K2):c.*8C>T

Gene: MAP2K2 (mitogen-activated protein kinase kinase 2; minus strand). Cytogenetic location: 19p13.3.
Variant type: single nucleotide variant.
Coding change: c.*8C>T on transcript NM_030662.3; 8 bases downstream of the stop codon, C replaced by T.
Molecular consequence: 3 prime UTR variant (on NM_030662.4).
Genome position (GRCh38, 1-based): chr19:4,090,590, G>A on the plus strand (C>T on the coding strand, the complement: MAP2K2 is on the minus strand). VCF-style: chr19-4090590-G-A. GRCh37 (hg19) VCF-style: chr19-4090588-G-A.
Other names: c.*8C>T; c.*8C>T (NM_030662.4).
Identifiers: ClinVar variation 46223 (VCV000046223.11), dbSNP rs377675706, ClinGen allele CA137903.